The following is an entry in ClinVar:

NM_058216.3(RAD51C):c.497T>C (p.Val166Ala)

Gene: RAD51C (RAD51 paralog C; plus strand). Cytogenetic location: 17q22.
Variant type: single nucleotide variant.
Coding change: c.497T>C on transcript NM_058216.3 (MANE Select); coding-DNA position 497, T replaced by C.
Protein change: p.Val166Ala; replaces valine 166 with alanine.
Molecular consequence: missense variant.
Genome position (GRCh38, 1-based): chr17:58,696,785, T>C. VCF-style: chr17-58696785-T-C. GRCh37 (hg19) VCF-style: chr17-56774146-T-C.
Other names: c.497T>C (LRG_314t1); short protein forms V166A.
Identifiers: ClinVar variation 471443 (VCV000471443.17), dbSNP rs765300465, ClinGen allele CA8677249.

ClinVar aggregate classification (germline): Uncertain significance. Review status: criteria provided, multiple submitters, no conflicts (2 of 4 stars). 4 submissions from 4 submitters: Uncertain significance (3). 1 of the submissions does not count toward it. Last evaluated 2025-03-04.

Conditions:
Fanconi anemia complementation group O. Also called: RAD51C-Related Fanconi Anemia. Identifiers: Orphanet 84, MedGen C3150653, MONDO:0013248, OMIM 613390.
Breast-ovarian cancer, familial, susceptibility to, 3. Also called: RAD51C-Related Breast/Ovarian Cancer. Identifiers: Orphanet 145, MedGen C3150659, MONDO:0013253, OMIM 613399.

Allele frequency attached by ClinVar (database versions not stated): gnomAD exomes 0.00001; ExAC 0.00002.

Submissions (4):

Center for Genomic Medicine, Rigshospitalet, Copenhagen University Hospital
Classification: Uncertain significance. Last evaluated: 2025-03-04. Review status: criteria provided, single submitter. Criteria: ACMG Guidelines, 2015. Collection method: clinical testing. Allele origin: germline.

Labcorp Genetics (formerly Invitae), Labcorp
Classification: Uncertain significance for Fanconi anemia complementation group O. Last evaluated: 2023-10-22. Review status: criteria provided, single submitter. Criteria: Invitae Variant Classification Sherloc (09022015). Collection method: clinical testing. Allele origin: germline.
Comment: This sequence change replaces valine, which is neutral and non-polar, with alanine, which is neutral and non-polar, at codon 166 of the RAD51C protein (p.Val166Ala). This variant is present in population databases (rs765300465, gnomAD 0.002%). This variant has not been reported in the literature in individuals affected with RAD51C-related conditions. ClinVar contains an entry for this variant (Variation ID: 471443). Advanced modeling of protein sequence and biophysical properties (such as structural, functional, and spatial information, amino acid conservation, physicochemical variation, residue mobility, and thermodynamic stability) performed at Invitae indicates that this missense variant is not expected to disrupt RAD51C protein function. In summary, the available evidence is currently insufficient to determine the role of this variant in disease. Therefore, it has been classified as a Variant of Uncertain Significance.

Myriad Genetics, Inc.
Classification: Uncertain significance for Breast-ovarian cancer, familial, susceptibility to, 3. Last evaluated: 2023-04-05. Review status: criteria provided, single submitter. Criteria: Myriad Autosomal Dominant, Autosomal Recessive and X-Linked Classification Criteria (2023). Collection method: clinical testing. Allele origin: unknown.
Comment: This variant is classified as a variant of uncertain significance as there is insufficient evidence to determine its impact on protein function and/or cancer risk.

Counsyl
Classification: Uncertain significance for Fanconi anemia complementation group O; Breast-ovarian cancer, familial, susceptibility to, 3. Last evaluated: 2018-03-30. Review status: no assertion criteria provided. Collection method: clinical testing. Allele origin: unknown. Not counted in ClinVar's aggregate classification.